The following is an entry in ClinVar:

NM_001105206.3(LAMA4):c.5402A>T (p.His1801Leu)

Gene: LAMA4 (laminin subunit alpha 4; minus strand). Cytogenetic location: 6q21.
Variant type: single nucleotide variant.
Coding change: c.5402A>T on transcript NM_001105206.3 (MANE Select); coding-DNA position 5402, A replaced by T.
Protein change: p.His1801Leu; replaces histidine 1801 with leucine.
Molecular consequence: missense variant.
Genome position (GRCh38, 1-based): chr6:112,109,507, T>A on the plus strand (A>T on the coding strand, the complement: LAMA4 is on the minus strand). VCF-style: chr6-112109507-T-A. GRCh37 (hg19) VCF-style: chr6-112430710-T-A.
Other names: c.5381A>T, p.His1794Leu (NM_001105207.3, NM_002290.5); short protein forms H1794L, H1801L.
Identifiers: ClinVar variation 3289951 (VCV003289951.1).

ClinVar aggregate classification (germline): Uncertain significance (1 of 4 stars; one submission).

Conditions:
Cardiovascular phenotype. Identifiers: MedGen CN230736.

Submission:

Ambry Genetics
Classification: Uncertain significance for Cardiovascular phenotype. Last evaluated: 2024-06-02. Review status: criteria provided, single submitter. Criteria: Ambry Variant Classification Scheme 2023. Collection method: clinical testing. Allele origin: germline.
Comment: The p.H1794L variant (also known as c.5381A>T), located in coding exon 38 of the LAMA4 gene, results from an A to T substitution at nucleotide position 5381. The histidine at codon 1794 is replaced by leucine, an amino acid with similar properties. This amino acid position is conserved. In addition, this alteration is predicted to be tolerated by in silico analysis. Based on the available evidence, the clinical significance of this variant remains unclear.